The following is an entry in ClinVar:

NM_001035.3(RYR2):c.7232C>T (p.Ala2411Val)

Gene: RYR2 (ryanodine receptor 2; plus strand). Cytogenetic location: 1q43.
Variant type: single nucleotide variant.
Coding change: c.7232C>T on transcript NM_001035.3 (MANE Select); coding-DNA position 7232, C replaced by T.
Protein change: p.Ala2411Val; replaces alanine 2411 with valine.
Molecular consequence: missense variant.
Genome position (GRCh38, 1-based): chr1:237,643,337, C>T. VCF-style: chr1-237643337-C-T. GRCh37 (hg19) VCF-style: chr1-237806637-C-T.
Other names: short protein forms A2411V.
Identifiers: ClinVar variation 2088165 (VCV002088165.4), dbSNP rs781674330, ClinGen allele CA345396876.
Genomic context (GRCh38, chr1:237,643,337, plus strand): 5'-TAACATTGATGTCACAAAGTTGTTCTAATGTTTTTTTTTCCCCTGTATAGTTGATTCATG[C>T]CGGGAAGGGAGAAGCCATCAGAATTAGGTCCATTTTGAGATCCCTCATTCCCCTGGGAGA-3'
Protein context (NP_001026.2, residues 2401-2421): RCAPEMHLIH[Ala2411Val]GKGEAIRIRS

ClinVar aggregate classification (germline): Uncertain significance (1 of 4 stars; one submission).

Conditions:
Catecholaminergic polymorphic ventricular tachycardia 1. Also called: RYR2-Related Catecholaminergic Polymorphic Ventricular Tachycardia; VENTRICULAR TACHYCARDIA, STRESS-INDUCED POLYMORPHIC 1; VENTRICULAR TACHYCARDIA, CATECHOLAMINERGIC POLYMORPHIC, 1, WITH OR WITHOUT ATRIAL DYSFUNCTION AND/OR DILATED CARDIOMYOPATHY. Identifiers: Orphanet 3286, MedGen C1631597, MONDO:0011484, OMIM 604772.

gnomAD v4.1: 2 of 1,613,272 alleles (0.00012%); highest among the groups gnomAD compares: Admixed American, 0.0017%; no homozygotes.

Submission:

Labcorp Genetics (formerly Invitae), Labcorp
Classification: Uncertain significance for Catecholaminergic polymorphic ventricular tachycardia 1. Last evaluated: 2022-07-12. Review status: criteria provided, single submitter. Criteria: Invitae Variant Classification Sherloc (09022015). Collection method: clinical testing. Allele origin: germline.
Comment: In summary, the available evidence is currently insufficient to determine the role of this variant in disease. Therefore, it has been classified as a Variant of Uncertain Significance. Algorithms developed to predict the effect of missense changes on protein structure and function (SIFT, PolyPhen-2, Align-GVGD) all suggest that this variant is likely to be disruptive. This variant has not been reported in the literature in individuals affected with RYR2-related conditions. This variant is present in population databases (no rsID available, gnomAD 0.003%). This sequence change replaces alanine, which is neutral and non-polar, with valine, which is neutral and non-polar, at codon 2411 of the RYR2 protein (p.Ala2411Val).